The following is an entry in ClinVar:

NM_001754.5(RUNX1):c.238G>A (p.Glu80Lys)

Gene: RUNX1 (RUNX family transcription factor 1; minus strand). Cytogenetic location: 21q22.12.
Variant type: single nucleotide variant.
Coding change: c.238G>A on transcript NM_001754.5 (MANE Select); coding-DNA position 238, G replaced by A.
Protein change: p.Glu80Lys; replaces glutamic acid 80 with lysine.
Molecular consequence: missense variant.
Genome position (GRCh38, 1-based): chr21:34,886,956, C>T on the plus strand (G>A on the coding strand, the complement: RUNX1 is on the minus strand). VCF-style: chr21-34886956-C-T. GRCh37 (hg19) VCF-style: chr21-36259253-C-T.
Other names: c.157G>A, p.Glu53Lys (NM_001001890.3, NM_001122607.2); short protein forms E53K, E80K.
Identifiers: ClinVar variation 5028589 (VCV005028589.1).

ClinVar aggregate classification (germline): Uncertain significance (1 of 4 stars; one submission).

Conditions:
Inborn genetic diseases. Identifiers: MedGen C0950123, MeSH D030342.

Submission:

Ambry Genetics
Classification: Uncertain significance for Inborn genetic diseases. Last evaluated: 2026-07-18. Review status: criteria provided, single submitter. Criteria: Ambry Variant Classification Scheme 2023. Collection method: clinical testing. Allele origin: germline.
Comment: The p.E80K variant (also known as c.238G>A), located in coding exon 3 of the RUNX1 gene, results from a G to A substitution at nucleotide position 238. The glutamic acid at codon 80 is replaced by lysine, an amino acid with similar properties. This amino acid position is conserved. In addition, this alteration is predicted to be deleterious by in silico analysis. Based on the available evidence, the clinical significance of this variant remains unclear.